The following is an entry in ClinVar:

ClinVar aggregate classification (germline): Uncertain significance (1 of 4 stars; one submission).

Conditions:
RYR1-related disorder. Also called: RYR1-related condition; RYR1-related disorders. Identifiers: MedGen CN239331.

Allele frequency attached by ClinVar (database versions not stated): TOPMed below 0.00001; ExAC 0.00001; ESP Exome Variant Server 0.00008.

Submission:

Labcorp Genetics (formerly Invitae), Labcorp
Classification: Uncertain significance for RYR1-related disorder. Last evaluated: 2022-08-21. Review status: criteria provided, single submitter. Criteria: Invitae Variant Classification Sherloc (09022015). Collection method: clinical testing. Allele origin: germline.
Comment: This variant has not been reported in the literature in individuals affected with RYR1-related conditions. This sequence change replaces alanine, which is neutral and non-polar, with valine, which is neutral and non-polar, at codon 3479 of the RYR1 protein (p.Ala3479Val). This variant is present in population databases (rs370080658, gnomAD 0.0009%). Advanced modeling of protein sequence and biophysical properties (such as structural, functional, and spatial information, amino acid conservation, physicochemical variation, residue mobility, and thermodynamic stability) performed at Invitae indicates that this missense variant is not expected to disrupt RYR1 protein function. Algorithms developed to predict the effect of sequence changes on RNA splicing suggest that this variant may create or strengthen a splice site. In summary, the available evidence is currently insufficient to determine the role of this variant in disease. Therefore, it has been classified as a Variant of Uncertain Significance.

NM_000540.3(RYR1):c.10436C>T (p.Ala3479Val)

Gene: RYR1 (ryanodine receptor 1; plus strand). Cytogenetic location: 19q13.2.
Variant type: single nucleotide variant.
Coding change: c.10436C>T on transcript NM_000540.3 (MANE Select); coding-DNA position 10436, C replaced by T.
Protein change: p.Ala3479Val; replaces alanine 3479 with valine.
Molecular consequence: missense variant.
Genome position (GRCh38, 1-based): chr19:38,523,305, C>T. VCF-style: chr19-38523305-C-T. GRCh37 (hg19) VCF-style: chr19-39013945-C-T.
Other names: c.10436C>T, p.Ala3479Val (NM_001042723.2); short protein forms A3479V.
Identifiers: ClinVar variation 2054417 (VCV002054417.2), dbSNP rs370080658, ClinGen allele CA053382.